The following is an entry in ClinVar:

NM_001101.5(ACTB):c.60C>T (p.Gly20=)

Gene: ACTB (actin beta; minus strand). Cytogenetic location: 7p22.1.
Variant type: single nucleotide variant.
Coding change: c.60C>T on transcript NM_001101.5 (MANE Select); coding-DNA position 60, C replaced by T.
Protein change: p.Gly20=; no amino-acid change (glycine 20 retained).
Molecular consequence: synonymous variant.
Genome position (GRCh38, 1-based): chr7:5,529,598, G>A on the plus strand (C>T on the coding strand, the complement: ACTB is on the minus strand). VCF-style: chr7-5529598-G-A. GRCh37 (hg19) VCF-style: chr7-5569229-G-A.
Identifiers: ClinVar variation 2050555 (VCV002050555.6), dbSNP rs769803538, ClinGen allele CA4147204.

ClinVar aggregate classification (germline): Likely benign. Review status: criteria provided, single submitter (1 of 4 stars). 2 submissions from 2 submitters: Likely benign (1). 1 of the submissions does not count toward it. Last evaluated 2025-10-23.

Conditions:
ACTB-related disorder. Also called: ACTB-related disorders; ACTB-related condition.
Baraitser-Winter syndrome 1 (BRWS1). Also called: MENTAL RETARDATION WITH EPILEPSY AND CHARACTERISTIC FACIES; PACHYGYRIA, MENTAL RETARDATION, EPILEPSY, AND CHARACTERISTIC FACIES; Cerebrofrontofacial syndrome; BARAITSER-WINTER SYNDROME 1, ATYPICAL. Identifiers: Orphanet 2649, Orphanet 2995, MedGen C1855722, MONDO:0009470, OMIM 243310.

Allele frequency attached by ClinVar (database versions not stated): ExAC 0.00001; gnomAD 0.00001; TOPMed 0.00002.

Submissions (2):

Labcorp Genetics (formerly Invitae), Labcorp
Classification: Likely benign for Baraitser-Winter syndrome 1. Last evaluated: 2025-10-23. Review status: criteria provided, single submitter. Criteria: Invitae Variant Classification Sherloc (09022015). Collection method: clinical testing. Allele origin: germline.

PreventionGenetics, part of Exact Sciences
Classification: Likely benign for ACTB-related condition. Last evaluated: 2024-01-25. Review status: no assertion criteria provided. Collection method: clinical testing. Allele origin: germline. Not counted in ClinVar's aggregate classification.
Comment: This variant is classified as likely benign based on ACMG/AMP sequence variant interpretation guidelines (Richards et al. 2015 PMID: 25741868, with internal and published modifications).